The following is an entry in ClinVar:

NM_005411.5(SFTPA1):c.724C>T (p.Arg242Ter)

Gene: SFTPA1 (surfactant protein A1; plus strand). Cytogenetic location: 10q22.3.
Variant type: single nucleotide variant.
Coding change: c.724C>T on transcript NM_005411.5 (MANE Select); coding-DNA position 724, C replaced by T.
Protein change: p.Arg242Ter; replaces arginine 242 with a stop codon.
Molecular consequence: nonsense.
Genome position (GRCh38, 1-based): chr10:79,614,090, C>T. VCF-style: chr10-79614090-C-T. GRCh37 (hg19) VCF-style: chr10-81373846-C-T.
Other names: c.769C>T, p.Arg257Ter (NM_001093770.3); c.724C>T, p.Arg242Ter (NM_001164644.2, NM_001164647.1); c.622C>T, p.Arg208Ter (NM_001164645.2); c.577C>T, p.Arg193Ter (NM_001164646.2); short protein forms R242*, R257*, R193*, R208*.
Identifiers: ClinVar variation 517516 (VCV000517516.7), dbSNP rs4253528, ClinGen allele CA5574586.

ClinVar aggregate classification (germline): Uncertain significance. Review status: criteria provided, multiple submitters, no conflicts (2 of 4 stars). 3 submissions from 3 submitters: Uncertain significance (3). Last evaluated 2021-07-29.

Conditions:
Respiratory distress associated with prematurity.
Interstitial lung disease 1. Identifiers: MedGen C5562021, MONDO:0030608, OMIM 619611.

Allele frequency attached by ClinVar (database versions not stated): ExAC 0.00007; gnomAD exomes 0.00007; gnomAD 0.00013; TOPMed 0.00004 and 0.00009.
gnomAD v4.1: 97 of 1,614,064 alleles (0.006%); highest among the groups gnomAD compares: Admixed American, 0.017%; 1 homozygote.

Submissions (3):

Fulgent Genetics
Classification: Uncertain significance for Interstitial lung disease 1. Last evaluated: 2021-07-29. Review status: criteria provided, single submitter. Criteria: ACMG Guidelines, 2015. Collection method: clinical testing. Allele origin: unknown.

Johns Hopkins Genomics, Johns Hopkins University
Classification: Uncertain significance for Respiratory distress associated with prematurity. Last evaluated: 2019-07-02. Review status: criteria provided, single submitter. Criteria: ACMG Guidelines, 2015. Collection method: clinical testing. Allele origin: germline.
Comment: This SFTPA1 variant (rs4253528) is present in large population datasets (gnomAD: 21/282816 total alleles; 0.007425%; no homozygotes). A single submitter in ClinVar classifies this variant as uncertain. This nonsense variant is located in the last exon of the gene, likely escaping nonsense-mediated decay and resulting in a truncated protein product. Due to insufficient evidence that this variant is deleterious, the clinical significance of c.724C>T is uncertain at this time.

Laboratory for Molecular Medicine, Mass General Brigham Personalized Medicine
Classification: Uncertain significance. Last evaluated: 2017-07-31. Review status: criteria provided, single submitter. Criteria: LMM Criteria. Collection method: clinical testing. Allele origin: germline. Observed: 1 variant allele.
Comment: The p.Arg257X variant in SFTPA1 has not been previously reported in individuals with pulmonary disease, but has been identified in 22/277174 chromosomes by the Genome Aggregation Database (gnomAD; dbSNP rs4 253528). This nonsense variant leads to a premature termination codon at positio n 257. This alteration occurs within the last exon of the gene and is more likel y to escape nonsense mediated decay (NMD) and result in a truncated protein. Due to the limited information available regarding the association of this gene to disease, it is unknown if this type of variant is likely to be disease-causing. Therefore, the clinical significance of the p.Arg257X variant is uncertain.